The following is an entry in ClinVar:

NM_003873.7(NRP1):c.667C>T (p.His223Tyr)

Gene: NRP1 (neuropilin 1; minus strand). Cytogenetic location: 10p11.22.
Variant type: single nucleotide variant.
Coding change: c.667C>T on transcript NM_003873.7 (MANE Select); coding-DNA position 667, C replaced by T.
Protein change: p.His223Tyr; replaces histidine 223 with tyrosine.
Molecular consequence: missense variant. On other transcripts: non-coding transcript variant (1).
Genome position (GRCh38, 1-based): chr10:33,256,463, G>A on the plus strand (C>T on the coding strand, the complement: NRP1 is on the minus strand). VCF-style: chr10-33256463-G-A. GRCh37 (hg19) VCF-style: chr10-33545391-G-A.
Other names: c.667C>T, p.His223Tyr (NM_001024628.3, NM_001024629.3, NM_001244972.2 and 2 more transcripts); short protein forms H223Y.
Identifiers: ClinVar variation 4996530 (VCV004996530.1).
Genomic context (GRCh38, chr10:33,256,463, plus strand): 5'-GAATGCCCGATGAGGATCGGATTCGACCTGGTGTTTTCTGTCCACAGTAACGCCCAATGT[G>A]AGGGCCAACTGGAAAGGGAGGAATACAGACGATGTCAAAATGTCTTTTCTCCTGCAGCAG-3'
Protein context (NP_003864.5, residues 213-233): IWDGFPDVGP[His223Tyr]IGRYCGQKTP

ClinVar aggregate classification (germline): Uncertain significance (1 of 4 stars; one submission).

Conditions:
NRP1-related disorder. Also called: NRP1-related condition.

gnomAD v4.1: 1 of 1,614,062 alleles (0.000062%); highest among the groups gnomAD compares: Non-Finnish European, 0.000085%; no homozygotes.

Submission:

PreventionGenetics, part of Exact Sciences
Classification: Uncertain significance for NRP1-related condition. Last evaluated: 2026-06-30. Review status: criteria provided, single submitter. Criteria: ACMG Guidelines, 2015. Collection method: clinical testing. Allele origin: germline.
Comment: The NRP1 c.667C>T variant is predicted to result in the amino acid substitution p.His223Tyr. To our knowledge, this variant has not been reported in the literature in individuals with NRP1-related disease or in a large population database (gnomAD), indicating this variant is rare. An in vitro experimental study using SH-SY5Y neuroblastoma cells suggests this variant may affect protein binding function (Zhou et al. 2026. PubMed ID: 41779860). At this time, the clinical significance of this variant is uncertain due to the absence of conclusive functional and genetic evidence.